The following is an entry in ClinVar:

NM_005360.5(MAF):c.693_710del (p.Gly233_Gly238del)

Gene: MAF (MAF bZIP transcription factor; minus strand). Cytogenetic location: 16q23.2.
Variant type: Deletion.
Coding change: c.693_710del on transcript NM_005360.5 (MANE Select); coding-DNA positions 693 to 710, 18 bases deleted (CGGCGGCGGAGGCGGCGG).
Protein change: p.Gly233_Gly238del.
Genome position (GRCh38, 1-based): chr16:79,599,193-79,599,210, CCGCCGCCTCCGCCGCCG deleted on the plus strand (CGGCGGCGGAGGCGGCGG on the coding strand, the reverse complement: MAF is on the minus strand); deleting any 18 consecutive bases within chr16:79,599,193-79,599,218 gives the same sequence; the c. name uses the placement nearest the transcript's 3' end. VCF-style (leftmost placement, unchanged base first): chr16-79599192-CCCGCCGCCTCCGCCGCCG-C. GRCh37 (hg19) VCF-style: chr16-79633089-CCCGCCGCCTCCGCCGCCG-C.
Other names: c.693_710del, p.Gly233_Gly238del (NM_001031804.3).
Identifiers: ClinVar variation 4793863 (VCV004793863.1).

ClinVar aggregate classification (germline): Uncertain significance (1 of 4 stars; one submission).

Conditions:
Cataract 21 multiple types. Also called: Cataract, congenital, cerulean type, 4; CATARACT 21, MULTIPLE TYPES, WITH OR WITHOUT MICROCORNEA; CATARACT 21, CERULEAN, WITH OR WITHOUT MICROCORNEA; CATARACT 21, MULTIPLE TYPES, WITH MICROCORNEA. Identifiers: Orphanet 91492, MedGen C1857768, MONDO:0012437, OMIM 610202.
Ayme-Gripp syndrome. Also called: Aymé-Gripp Syndrome. Identifiers: MedGen C1832812, MONDO:0010992, OMIM 601088.

Submission:

Labcorp Genetics (formerly Invitae), Labcorp
Classification: Uncertain significance for Cataract 21 multiple types; Ayme-Gripp syndrome. Last evaluated: 2025-04-03. Review status: criteria provided, single submitter. Criteria: Invitae Variant Classification Sherloc (09022015). Collection method: clinical testing. Allele origin: germline.
Comment: This variant, c.693_710del, results in the deletion of 6 amino acid(s) of the MAF protein (p.Gly233_Gly238del), but otherwise preserves the integrity of the reading frame. The frequency data for this variant in the population databases is considered unreliable, as metrics indicate insufficient coverage at this position in the gnomAD database. This variant has not been reported in the literature in individuals affected with MAF-related conditions. Experimental studies and prediction algorithms are not available or were not evaluated, and the functional significance of this variant is currently unknown. In summary, the available evidence is currently insufficient to determine the role of this variant in disease. Therefore, it has been classified as a Variant of Uncertain Significance.